The following is an entry in ClinVar:

ClinVar aggregate classification (germline): Uncertain significance. Review status: criteria provided, multiple submitters, no conflicts (2 of 4 stars). 2 submissions from 2 submitters: Uncertain significance (2). Last evaluated 2025-08-22.

Conditions:
Inborn genetic diseases. Identifiers: MedGen C0950123, MeSH D030342.
Charcot-Marie-Tooth disease type 4. Also called: Charcot-Marie-Tooth, Type 4; Charcot-Marie-Tooth disease, type IV. Identifiers: Orphanet 64749, MedGen C4082197, MONDO:0018995.

Allele frequency attached by ClinVar (database versions not stated): ESP Exome Variant Server 0.00008; TOPMed 0.00002.
gnomAD v4.1: 9 of 1,613,142 alleles (0.00056%); highest among the groups gnomAD compares: Admixed American, 0.0017%; no homozygotes.

Submissions (2):

Ambry Genetics
Classification: Uncertain significance for Inborn genetic diseases. Last evaluated: 2025-08-22. Review status: criteria provided, single submitter. Criteria: Ambry Variant Classification Scheme 2023. Collection method: clinical testing. Allele origin: germline.

Labcorp Genetics (formerly Invitae), Labcorp
Classification: Uncertain significance for Charcot-Marie-Tooth disease type 4. Last evaluated: 2024-11-05. Review status: criteria provided, single submitter. Criteria: Invitae Variant Classification Sherloc (09022015). Collection method: clinical testing. Allele origin: germline.
Comment: This sequence change replaces serine, which is neutral and polar, with arginine, which is basic and polar, at codon 1439 of the PRX protein (p.Ser1439Arg). This variant is present in population databases (rs372280596, gnomAD 0.003%). This variant has not been reported in the literature in individuals affected with PRX-related conditions. ClinVar contains an entry for this variant (Variation ID: 1019652). Invitae Evidence Modeling of protein sequence and biophysical properties (such as structural, functional, and spatial information, amino acid conservation, physicochemical variation, residue mobility, and thermodynamic stability) indicates that this missense variant is not expected to disrupt PRX protein function with a negative predictive value of 80%. In summary, the available evidence is currently insufficient to determine the role of this variant in disease. Therefore, it has been classified as a Variant of Uncertain Significance.

NM_181882.3(PRX):c.4317C>A (p.Ser1439Arg)

Gene: PRX (periaxin; minus strand). Cytogenetic location: 19q13.2.
Variant type: single nucleotide variant.
Coding change: c.4317C>A on transcript NM_181882.3 (MANE Select); coding-DNA position 4317, C replaced by A.
Protein change: p.Ser1439Arg; replaces serine 1439 with arginine.
Molecular consequence: missense variant. On other transcripts: 3 prime UTR variant (1).
Genome position (GRCh38, 1-based): chr19:40,394,035, G>T on the plus strand (C>A on the coding strand, the complement: PRX is on the minus strand). VCF-style: chr19-40394035-G-T. GRCh37 (hg19) VCF-style: chr19-40899942-G-T.
Other names: c.*4522C>A (NM_020956.2); short protein forms S1439R.
Identifiers: ClinVar variation 1019652 (VCV001019652.10), dbSNP rs372280596, ClinGen allele CA9443641.